The following is an entry in ClinVar:

ClinVar aggregate classification (germline): Uncertain significance. Review status: criteria provided, multiple submitters, no conflicts (2 of 4 stars). 3 submissions from 2 submitters: Uncertain significance (3). Last evaluated 2022-08-15.

Conditions:
Autosomal recessive nonsyndromic hearing loss 12. Also called: DEAFNESS, AUTOSOMAL RECESSIVE 12. Identifiers: Orphanet 90636, MedGen C1832394, MONDO:0011067, OMIM 601386.
Usher syndrome type 1D (USH1D). Also called: USHER SYNDROME, TYPE ID. Identifiers: Orphanet 231169, Orphanet 886, MedGen C1832845, MONDO:0010984, OMIM 601067.

Allele frequency attached by ClinVar (database versions not stated): gnomAD exomes below 0.00001; ExAC 0.00001; gnomAD 0.00001 and 0.00003; 1000 Genomes Project 30x 0.00031; 1000 Genomes Project 0.00040.
gnomAD v4.1: 11 of 1,612,754 alleles (0.00068%); highest among the groups gnomAD compares: South Asian, 0.0033%; 1 homozygote.

Submissions (3):

Labcorp Genetics (formerly Invitae), Labcorp
Classification: Uncertain significance. Last evaluated: 2022-08-15. Review status: criteria provided, single submitter. Criteria: Invitae Variant Classification Sherloc (09022015). Collection method: clinical testing. Allele origin: germline.
Comment: In summary, the available evidence is currently insufficient to determine the role of this variant in disease. Therefore, it has been classified as a Variant of Uncertain Significance. Algorithms developed to predict the effect of missense changes on protein structure and function are either unavailable or do not agree on the potential impact of this missense change (SIFT: "Deleterious"; PolyPhen-2: "Not Available"; Align-GVGD: "Class C0"). ClinVar contains an entry for this variant (Variation ID: 300463). This variant has not been reported in the literature in individuals affected with CDH23-related conditions. The frequency data for this variant in the population databases is considered unreliable, as metrics indicate poor data quality at this position in the gnomAD database. This sequence change replaces arginine, which is basic and polar, with cysteine, which is neutral and slightly polar, at codon 2915 of the CDH23 protein (p.Arg2915Cys).

Illumina Laboratory Services, Illumina
Classification: Uncertain significance for Usher syndrome type 1D. Last evaluated: 2018-01-12. Review status: criteria provided, single submitter. Criteria: ICSL Variant Classification Criteria 13 December 2019. Collection method: clinical testing. Allele origin: germline.

Illumina Laboratory Services, Illumina
Classification: Uncertain significance for Autosomal recessive nonsyndromic hearing loss 12. Last evaluated: 2018-01-12. Review status: criteria provided, single submitter. Criteria: ICSL Variant Classification Criteria 13 December 2019. Collection method: clinical testing. Allele origin: germline.

NM_022124.6(CDH23):c.8743C>T (p.Arg2915Cys)

Gene: CDH23 (cadherin related 23; plus strand). Cytogenetic location: 10q22.1.
Variant type: single nucleotide variant.
Coding change: c.8743C>T on transcript NM_022124.6 (MANE Select); coding-DNA position 8743, C replaced by T.
Protein change: p.Arg2915Cys; replaces arginine 2915 with cysteine.
Molecular consequence: missense variant.
Genome position (GRCh38, 1-based): chr10:71,809,840, C>T. VCF-style: chr10-71809840-C-T. GRCh37 (hg19) VCF-style: chr10-73569597-C-T.
Other names: c.2023C>T, p.Arg675Cys (NM_001171933.1, NM_001171934.1); short protein forms R2915C, R675C.
Identifiers: ClinVar variation 300463 (VCV000300463.8), dbSNP rs185818081, ClinGen allele CA5546738.